The following is an entry in ClinVar:

ClinVar aggregate classification (germline): Uncertain significance (1 of 4 stars; one submission).

Conditions:
Early-infantile DEE. Also called: Ohtahara syndrome; Early infantile epileptic encephalopathy with suppression bursts; Early infantile epileptic encephalopathy. Identifiers: Orphanet 1934, MedGen C0393706, MONDO:0800491.

Allele frequency attached by ClinVar (database versions not stated): TOPMed below 0.00001; ExAC 0.00001; gnomAD 0.00001.
gnomAD v4.1: 1 of 1,614,078 alleles (0.000062%); highest among the groups gnomAD compares: Non-Finnish European, 0.000085%; no homozygotes.

Submission:

Labcorp Genetics (formerly Invitae), Labcorp
Classification: Uncertain significance for Early-infantile DEE. Last evaluated: 2022-12-23. Review status: criteria provided, single submitter. Criteria: Invitae Variant Classification Sherloc (09022015). Collection method: clinical testing. Allele origin: germline.
Comment: In summary, the available evidence is currently insufficient to determine the role of this variant in disease. Therefore, it has been classified as a Variant of Uncertain Significance. Advanced modeling of protein sequence and biophysical properties (such as structural, functional, and spatial information, amino acid conservation, physicochemical variation, residue mobility, and thermodynamic stability) has been performed at Invitae for this missense variant, however the output from this modeling did not meet the statistical confidence thresholds required to predict the impact of this variant on SPTAN1 protein function. This variant has not been reported in the literature in individuals affected with SPTAN1-related conditions. This sequence change replaces isoleucine, which is neutral and non-polar, with serine, which is neutral and polar, at codon 1567 of the SPTAN1 protein (p.Ile1567Ser). This variant is present in population databases (rs766922699, gnomAD 0.0009%).

NM_001130438.3(SPTAN1):c.4700T>G (p.Ile1567Ser)

Gene: SPTAN1 (spectrin alpha, non-erythrocytic 1; plus strand). Cytogenetic location: 9q34.11.
Variant type: single nucleotide variant.
Coding change: c.4700T>G on transcript NM_001130438.3 (MANE Select); coding-DNA position 4700, T replaced by G.
Protein change: p.Ile1567Ser; replaces isoleucine 1567 with serine.
Molecular consequence: missense variant.
Genome position (GRCh38, 1-based): chr9:128,609,226, T>G. VCF-style: chr9-128609226-T-G. GRCh37 (hg19) VCF-style: chr9-131371505-T-G.
Other names: c.4640T>G, p.Ile1547Ser (NM_001195532.2, NM_001363765.2, NM_001375314.2); c.4700T>G, p.Ile1567Ser (NM_001363759.2, NM_001375310.1, NM_001375311.2 and 2 more transcripts); c.4736T>G, p.Ile1579Ser (NM_001375312.2, NM_001375318.1); short protein forms I1567S, I1579S, I1547S.
Identifiers: ClinVar variation 2976164 (VCV002976164.3), dbSNP rs766922699, ClinGen allele CA5265253.
Genomic context (GRCh38, chr9:128,609,226, plus strand): 5'-TAGGAGAATCTCAAACCCTCCAACAGTTCAGCCGGGATGTGGATGAGATTGAGGCTTGGA[T>G]CAGTGAAAAATTGCAAACAGCGAGTGATGAGTCGTACAAGGATCCCACCAACATCCAGGT-3'
Protein context (NP_001123910.1, residues 1557-1577): SRDVDEIEAW[Ile1567Ser]SEKLQTASDE